The following is an entry in ClinVar:

NM_032273.4(TMEM126A):c.328G>A (p.Gly110Ser)

Gene: TMEM126A (transmembrane protein 126A; plus strand). Cytogenetic location: 11q14.1.
Variant type: single nucleotide variant.
Coding change: c.328G>A on transcript NM_032273.4 (MANE Select); coding-DNA position 328, G replaced by A.
Protein change: p.Gly110Ser; replaces glycine 110 with serine.
Molecular consequence: missense variant.
Genome position (GRCh38, 1-based): chr11:85,655,641, G>A. VCF-style: chr11-85655641-G-A. GRCh37 (hg19) VCF-style: chr11-85366685-G-A.
Other names: c.118G>A, p.Gly40Ser (NM_001244735.2); short protein forms G40S, G110S.
Identifiers: ClinVar variation 1470435 (VCV001470435.3), dbSNP rs1317634519, ClinGen allele CA381996808.

ClinVar aggregate classification (germline): Uncertain significance (1 of 4 stars; one submission).

Allele frequency attached by ClinVar (database versions not stated): gnomAD 0.00001; gnomAD exomes 0.00001; TOPMed 0.00002.
gnomAD v4.1: 6 of 1,613,514 alleles (0.00037%); highest among the groups gnomAD compares: African/African-American, 0.008%; no homozygotes.

Submission:

Labcorp Genetics (formerly Invitae), Labcorp
Classification: Uncertain significance. Last evaluated: 2022-07-19. Review status: criteria provided, single submitter. Criteria: Invitae Variant Classification Sherloc (09022015). Collection method: clinical testing. Allele origin: germline.
Comment: This sequence change replaces glycine, which is neutral and non-polar, with serine, which is neutral and polar, at codon 110 of the TMEM126A protein (p.Gly110Ser). This variant is present in population databases (no rsID available, gnomAD 0.01%). This variant has not been reported in the literature in individuals affected with TMEM126A-related conditions. ClinVar contains an entry for this variant (Variation ID: 1470435). Algorithms developed to predict the effect of missense changes on protein structure and function are either unavailable or do not agree on the potential impact of this missense change (SIFT: "Tolerated"; PolyPhen-2: "Probably Damaging"; Align-GVGD: "Class C0"). In summary, the available evidence is currently insufficient to determine the role of this variant in disease. Therefore, it has been classified as a Variant of Uncertain Significance.